The following is an entry in ClinVar:

NM_001184.4(ATR):c.2561A>G (p.Tyr854Cys)

Gene: ATR (ATR checkpoint kinase; minus strand). Cytogenetic location: 3q23.
Variant type: single nucleotide variant.
Coding change: c.2561A>G on transcript NM_001184.4 (MANE Select); coding-DNA position 2561, A replaced by G.
Protein change: p.Tyr854Cys; replaces tyrosine 854 with cysteine.
Molecular consequence: missense variant.
Genome position (GRCh38, 1-based): chr3:142,553,712, T>C on the plus strand (A>G on the coding strand, the complement: ATR is on the minus strand). VCF-style: chr3-142553712-T-C. GRCh37 (hg19) VCF-style: chr3-142272554-T-C.
Other names: c.2369A>G, p.Tyr790Cys (NM_001354579.2); short protein forms Y790C, Y854C.
Identifiers: ClinVar variation 3221087 (VCV003221087.1), dbSNP rs2473384210, ClinGen allele CA354815708.

ClinVar aggregate classification (germline): Uncertain significance (1 of 4 stars; one submission).

Conditions:
Inborn genetic diseases. Identifiers: MedGen C0950123, MeSH D030342.

Allele frequency attached by ClinVar (database versions not stated): gnomAD exomes below 0.00001.
gnomAD v4.1: 2 of 1,612,972 alleles (0.00012%); highest among the groups gnomAD compares: Non-Finnish European, 0.00017%; no homozygotes.

Submission:

Ambry Genetics
Classification: Uncertain significance for Inborn genetic diseases. Last evaluated: 2024-01-27. Review status: criteria provided, single submitter. Criteria: Ambry Variant Classification Scheme 2023. Collection method: clinical testing. Allele origin: germline.
Comment: The p.Y854C variant (also known as c.2561A>G), located in coding exon 12 of the ATR gene, results from an A to G substitution at nucleotide position 2561. The tyrosine at codon 854 is replaced by cysteine, an amino acid with highly dissimilar properties. This amino acid position is conserved. In addition, the in silico prediction for this alteration is inconclusive. Based on the available evidence, the clinical significance of this alteration remains unclear.